The following is an entry in ClinVar:

NM_000587.4(C7):c.1036G>A (p.Val346Ile)

Gene: C7 (complement C7; plus strand). Cytogenetic location: 5p13.1.
Variant type: single nucleotide variant.
Coding change: c.1036G>A on transcript NM_000587.4 (MANE Select); coding-DNA position 1036, G replaced by A.
Protein change: p.Val346Ile; replaces valine 346 with isoleucine.
Molecular consequence: missense variant.
Genome position (GRCh38, 1-based): chr5:40,949,957, G>A. VCF-style: chr5-40949957-G-A. GRCh37 (hg19) VCF-style: chr5-40950059-G-A.
Other names: short protein forms V346I.
Identifiers: ClinVar variation 2162813 (VCV002162813.2), dbSNP rs369760989, ClinGen allele CA3249820.

ClinVar aggregate classification (germline): Conflicting classifications of pathogenicity. Review status: criteria provided, conflicting classifications (1 of 4 stars). 2 submissions from 2 submitters: Uncertain significance (1); Likely benign (1). Last evaluated 2024-11-28.

Conditions:
Inborn genetic diseases. Identifiers: MedGen C0950123, MeSH D030342.

Allele frequency attached by ClinVar (database versions not stated): ESP Exome Variant Server 0.00008; gnomAD 0.00015; TOPMed 0.00019; ExAC 0.00026.
gnomAD v4.1: 127 of 1,601,220 alleles (0.0079%); highest among the groups gnomAD compares: Admixed American, 0.039%; no homozygotes.

Submissions (2):

Ambry Genetics
Classification: Likely benign for Inborn genetic diseases. Last evaluated: 2024-11-28. Review status: criteria provided, single submitter. Criteria: Ambry Variant Classification Scheme 2023. Collection method: clinical testing. Allele origin: germline.

Labcorp Genetics (formerly Invitae), Labcorp
Classification: Uncertain significance. Last evaluated: 2022-10-05. Review status: criteria provided, single submitter. Criteria: Invitae Variant Classification Sherloc (09022015). Collection method: clinical testing. Allele origin: germline.
Comment: This sequence change replaces valine, which is neutral and non-polar, with isoleucine, which is neutral and non-polar, at codon 346 of the C7 protein (p.Val346Ile). This variant is present in population databases (rs369760989, gnomAD 0.06%). This variant has not been reported in the literature in individuals affected with C7-related conditions. Advanced modeling of protein sequence and biophysical properties (such as structural, functional, and spatial information, amino acid conservation, physicochemical variation, residue mobility, and thermodynamic stability) performed at Invitae indicates that this missense variant is not expected to disrupt C7 protein function. In summary, the available evidence is currently insufficient to determine the role of this variant in disease. Therefore, it has been classified as a Variant of Uncertain Significance.